The following is an entry in ClinVar:

ClinVar aggregate classification (germline): Likely benign. Review status: criteria provided, single submitter (1 of 4 stars). 2 submissions from 2 submitters: Likely benign (1). 1 of the submissions does not count toward it. Last evaluated 2024-05-28.

Conditions:
Muscle AMP deaminase deficiency (MMDD). Also called: AMPD1 DEFICIENCY; Myoadenylate deaminase deficiency, myopathy due to; Adenosine monophosphate deaminase 1 deficiency; AMP deaminase 1 deficiency; Adenosine Monophosphate Deaminase 1; ADENOSINE MONOPHOSPHATE DEAMINASE-1 DEFICIENCY, MYOPATHY DUE TO. Identifiers: Orphanet 45, MedGen C3714933, MONDO:0014220, OMIM 615511.
AMPD1-related disorder. Also called: AMPD1-related condition.

Allele frequency attached by ClinVar (database versions not stated): ExAC 0.00002.
gnomAD v4.1: 18 of 1,609,828 alleles (0.0011%); highest among the groups gnomAD compares: South Asian, 0.019%; no homozygotes.

Submissions (2):

Labcorp Genetics (formerly Invitae), Labcorp
Classification: Likely benign for Muscle AMP deaminase deficiency. Last evaluated: 2024-05-28. Review status: criteria provided, single submitter. Criteria: Invitae Variant Classification Sherloc (09022015). Collection method: clinical testing. Allele origin: germline.

PreventionGenetics, part of Exact Sciences
Classification: Likely benign for AMPD1-related condition. Last evaluated: 2020-09-29. Review status: no assertion criteria provided. Collection method: clinical testing. Allele origin: germline. Not counted in ClinVar's aggregate classification.
Comment: This variant is classified as likely benign based on ACMG/AMP sequence variant interpretation guidelines (Richards et al. 2015 PMID: 25741868, with internal and published modifications).

NM_000036.3(AMPD1):c.1388+8C>A

Gene: AMPD1 (adenosine monophosphate deaminase 1; minus strand). Cytogenetic location: 1p13.2.
Variant type: single nucleotide variant.
Coding change: c.1388+8C>A on transcript NM_000036.3 (MANE Select); 8 bases into the intron after coding-DNA position 1388, C replaced by A.
Molecular consequence: intron variant.
Genome position (GRCh38, 1-based): chr1:114,677,343, G>T on the plus strand (C>A on the coding strand, the complement: AMPD1 is on the minus strand). VCF-style: chr1-114677343-G-T. GRCh37 (hg19) VCF-style: chr1-115219964-G-T.
Other names: c.1376+8C>A (NM_001172626.2); c.1487+8C>A (NM_000036.2).
Identifiers: ClinVar variation 3023064 (VCV003023064.5), dbSNP rs765995365, ClinGen allele CA1020137.